The following is an entry in ClinVar:

NM_003384.3(VRK1):c.571G>A (p.Asp191Asn)

Gene: VRK1 (VRK serine/threonine kinase 1; plus strand). Cytogenetic location: 14q32.2.
Variant type: single nucleotide variant.
Coding change: c.571G>A on transcript NM_003384.3 (MANE Select); coding-DNA position 571, G replaced by A.
Protein change: p.Asp191Asn; replaces aspartic acid 191 with asparagine.
Molecular consequence: missense variant.
Genome position (GRCh38, 1-based): chr14:96,853,161, G>A. VCF-style: chr14-96853161-G-A. GRCh37 (hg19) VCF-style: chr14-97319498-G-A.
Other names: c.571G>A, p.Asp191Asn (NM_001411051.1, NM_001411053.1); short protein forms D191N.
Identifiers: ClinVar variation 1749278 (VCV001749278.5), dbSNP rs138470389, ClinGen allele CA7339012.
Genomic context (GRCh38, chr14:96,853,161, plus strand): 5'-CATGAGTATGTGCATGGAGATATCAAGGCCTCAAATCTTCTTCTGAACTACAAGAATCCT[G>A]ACCAGGTAGTTTTATAACTTTAATTTCTACTATTTAAAGCGTGTTGTTTGAAAATAAATA-3'
Protein context (NP_003375.1, residues 181-201): SNLLLNYKNP[Asp191Asn]QVYLVDYGLA

ClinVar aggregate classification (germline): Uncertain significance. Review status: criteria provided, multiple submitters, no conflicts (2 of 4 stars). 2 submissions from 2 submitters: Uncertain significance (2). Last evaluated 2025-08-23.

Conditions:
Inborn genetic diseases. Identifiers: MedGen C0950123, MeSH D030342.
Pontocerebellar hypoplasia type 1A (PCH1A). Also called: PONTOCEREBELLAR HYPOPLASIA WITH ANTERIOR HORN CELL DISEASE; PONTOCEREBELLAR HYPOPLASIA WITH INFANTILE SPINAL MUSCULAR ATROPHY. Identifiers: Orphanet 2254, Orphanet 88616, MedGen C1843504, MONDO:0011866, OMIM 607596.

Allele frequency attached by ClinVar (database versions not stated): ExAC 0.00001; gnomAD exomes 0.00002; TOPMed 0.00003; gnomAD 0.00004; ESP Exome Variant Server 0.00015.

Submissions (2):

Ambry Genetics
Classification: Uncertain significance for Inborn genetic diseases. Last evaluated: 2025-08-23. Review status: criteria provided, single submitter. Criteria: Ambry Variant Classification Scheme 2023. Collection method: clinical testing. Allele origin: germline.

Labcorp Genetics (formerly Invitae), Labcorp
Classification: Uncertain significance for Pontocerebellar hypoplasia type 1A. Last evaluated: 2022-08-01. Review status: criteria provided, single submitter. Criteria: Invitae Variant Classification Sherloc (09022015). Collection method: clinical testing. Allele origin: germline.
Comment: This sequence change replaces aspartic acid, which is acidic and polar, with asparagine, which is neutral and polar, at codon 191 of the VRK1 protein (p.Asp191Asn). This variant is present in population databases (rs138470389, gnomAD 0.008%). This variant has not been reported in the literature in individuals affected with VRK1-related conditions. Algorithms developed to predict the effect of missense changes on protein structure and function (SIFT, PolyPhen-2, Align-GVGD) all suggest that this variant is likely to be tolerated. In summary, the available evidence is currently insufficient to determine the role of this variant in disease. Therefore, it has been classified as a Variant of Uncertain Significance.